The following is an entry in ClinVar:

ClinVar aggregate classification (germline): Likely pathogenic (1 of 4 stars; one submission).

Conditions:
Dilated cardiomyopathy 1G (CMD1G). Identifiers: Orphanet 154, MedGen C1858763, MONDO:0011400, OMIM 604145.
Autosomal recessive limb-girdle muscular dystrophy type 2J (LGMDR10). Also called: Limb-girdle muscular dystrophy, type 2J; MUSCULAR DYSTROPHY, LIMB-GIRDLE, AUTOSOMAL RECESSIVE 10. Identifiers: Orphanet 140922, MedGen C1837342, MONDO:0012127, OMIM 608807.

Submission:

Labcorp Genetics (formerly Invitae), Labcorp
Classification: Likely pathogenic for Dilated cardiomyopathy 1G; Autosomal recessive limb-girdle muscular dystrophy type 2J. Last evaluated: 2021-04-11. Review status: criteria provided, single submitter. Criteria: Invitae Variant Classification Sherloc (09022015). Collection method: clinical testing. Allele origin: germline.
Comment: In summary, the currently available evidence indicates that the variant is pathogenic, but additional data are needed to prove that conclusively. Therefore, this variant has been classified as Likely Pathogenic. This variant is located in the A band of TTN (PMID: 25589632). Truncating variants in this region are significantly overrepresented in patients affected with dilated cardiomyopathy (PMID: 25589632). Truncating variants in this region have also been reported in individuals affected with autosomal recessive centronuclear myopathy (PMID: 23975875). This variant has not been reported in the literature in individuals with TTN-related conditions. This variant is not present in population databases (ExAC no frequency). This sequence change results in a premature translational stop signal in the TTN gene (p.Lys30835Argfs*4). While this is not anticipated to result in nonsense mediated decay, it is expected to create a truncated TTN protein.

Literature cited by the submitters: PubMed 25589632; PubMed 23975875.

NM_001267550.2(TTN):c.92504del (p.Lys30835fs)

Genes: TTN-AS1 (TTN antisense RNA 1; plus strand), TTN (titin; minus strand). Cytogenetic location: 2q31.2.
Variant type: Deletion.
Coding change: c.92504del on transcript NM_001267550.2 (MANE Select); coding-DNA position 92504, one base deleted (A; older notation c.92504delA).
Protein change: p.Lys30835fs; shifts the reading frame from lysine 30835.
Molecular consequence: frameshift variant.
Genome position (GRCh38, 1-based): chr2:178,549,122, T deleted on the plus strand (A on the coding strand, the reverse complement: TTN is on the minus strand); the first of 3 consecutive T bases (chr2:178,549,122-178,549,124); deleting any one gives the same sequence. VCF-style (leftmost placement, unchanged base first): chr2-178549121-CT-C. GRCh37 (hg19) VCF-style: chr2-179413848-CT-C.
Other names: c.87581del, p.Lys29194fs (NM_001256850.1); c.65309del, p.Lys21770fs (NM_003319.4); c.84800del, p.Lys28267fs (NM_133378.4); c.65684del, p.Lys21895fs (NM_133432.3); c.65885del, p.Lys21962fs (NM_133437.4); short protein forms K21770fs, K21895fs, K21962fs, K28267fs, K29194fs, K30835fs.
Identifiers: ClinVar variation 1067710 (VCV001067710.9), dbSNP rs2154147910, ClinGen allele CA2499215309.
Genomic context (GRCh38, chr2:178,549,121, plus strand): 5'-CCCAATTATTTCCATGCCACCATCAAACACTGGTTTGGACCATTCTAAGCTCACAGTTGT[CT>C]TTGATGTGTCTGTTACTTTGACCACTGTGGGAGGACCTGGTGGGTTGACGGGCTCTCTAC-3'